The following is an entry in ClinVar:

ClinVar aggregate classification (germline): Likely pathogenic (1 of 4 stars; one submission).

Conditions:
Ichthyosis. Also called: Ichthyosis (disease). Identifiers: Orphanet 79354, MedGen C0020757, MONDO:0019269, HP:0008064.

Submission:

Dubai Health Genomic Medicine Center, Dubai Health
Classification: Likely pathogenic for Ichthyosis. Last evaluated: 2024-10-04. Review status: criteria provided, single submitter. Criteria: ACMG Guidelines, 2015. Collection method: research. Allele origin: germline. Affected: yes.
Comment: PVS1,PM2

NM_173076.3(ABCA12):c.335del (p.Ser112fs)

Gene: ABCA12 (ATP binding cassette subfamily A member 12; minus strand). Cytogenetic location: 2q35.
Variant type: Deletion.
Coding change: c.335del on transcript NM_173076.3 (MANE Select); coding-DNA position 335, one base deleted (C; older notation c.335delC).
Protein change: p.Ser112fs; shifts the reading frame from serine 112.
Molecular consequence: frameshift variant. On other transcripts: non-coding transcript variant (1).
Genome position (GRCh38, 1-based): chr2:215,054,647, G deleted on the plus strand (C on the coding strand, the reverse complement: ABCA12 is on the minus strand). VCF-style (leftmost placement, unchanged base first): chr2-215054646-TG-T. GRCh37 (hg19) VCF-style: chr2-215919370-TG-T.
Other names: short protein forms S112fs.
Identifiers: ClinVar variation 3384056 (VCV003384056.1).